The following is an entry in ClinVar:

ClinVar aggregate classification (germline): Likely pathogenic. Review status: criteria provided, multiple submitters, no conflicts (2 of 4 stars). 3 submissions from 3 submitters: Likely pathogenic (2). 1 of the submissions does not count toward it. Last evaluated 2025-12-30.

Conditions:
Centromeric instability of chromosomes 1,9 and 16 and immunodeficiency (ICF1). Also called: CENTROMERIC INSTABILITY, IMMUNODEFICIENCY SYNDROME; IMMUNE DEFICIENCY, VARIABLE, WITH CENTROMERIC INSTABILITY OF CHROMOSOMES 1, 9, AND 16; IMMUNODEFICIENCY SYNDROME, VARIABLE; Immunodeficiency-centromeric instability-facial anomalies. Identifiers: Orphanet 2268, MedGen C0398788, MONDO:0000133.
Immunodeficiency-centromeric instability-facial anomalies syndrome 1 (ICF1). Identifiers: Orphanet 2268, MedGen C4551557, MONDO:0009454, OMIM 242860.

Allele frequency attached by ClinVar (database versions not stated): gnomAD exomes below 0.00001 and 0.00001; gnomAD 0.00001; ExAC 0.00002; TOPMed 0.00002.
gnomAD v4.1: 8 of 1,614,098 alleles (0.0005%); highest among the groups gnomAD compares: East Asian, 0.0045%; no homozygotes.

Submissions (3):

Labcorp Genetics (formerly Invitae), Labcorp
Classification: Likely pathogenic for Centromeric instability of chromosomes 1,9 and 16 and immunodeficiency. Last evaluated: 2025-12-30. Review status: criteria provided, single submitter. Criteria: Invitae Variant Classification Sherloc (09022015). Collection method: clinical testing. Allele origin: germline.
Comment: This sequence change replaces arginine, which is basic and polar, with glutamine, which is neutral and polar, at codon 840 of the DNMT3B protein (p.Arg840Gln). This variant is present in population databases (rs121908946, gnomAD 0.006%). This missense change has been observed in individual(s) with immunodeficiency-centromeric instability-facial anomalies syndrome (PMID: 12239717). In at least one individual the data is consistent with being in trans (on the opposite chromosome) from a pathogenic variant. This variant is also known as R832Q. ClinVar contains an entry for this variant (Variation ID: 6744). Invitae Evidence Modeling of protein sequence and biophysical properties (such as structural, functional, and spatial information, amino acid conservation, physicochemical variation, residue mobility, and thermodynamic stability) has been performed for this missense variant. However, the output from this modeling did not meet the statistical confidence thresholds required to predict the impact of this variant on DNMT3B protein function. Experimental studies have shown that this missense change affects DNMT3B function (PMID: 16543361, 21549127). In summary, the currently available evidence indicates that the variant is pathogenic, but additional data are needed to prove that conclusively. Therefore, this variant has been classified as Likely Pathogenic.

Women's Health and Genetics/Laboratory Corporation of America, LabCorp
Classification: Likely pathogenic for Immunodeficiency-centromeric instability-facial anomalies syndrome 1. Last evaluated: 2024-07-15. Review status: criteria provided, single submitter. Criteria: LabCorp Variant Classification Summary - May 2015. Collection method: clinical testing. Allele origin: germline.
Comment: Variant summary: DNMT3B c.2519G>A (p.Arg840Gln), also reported as R832Q, results in a conservative amino acid change in the encoded protein sequence. Three of five in-silico tools predict a damaging effect of the variant on protein function. The variant allele was found at a frequency of 8e-06 in 251438 control chromosomes. c.2519G>A has been reported in the literature in the presumed compound heterozygous state in at least 1 individual affected with ICF Syndrome (example, Hagleitner_2008, Jiang_2005, Shirohzu_2002). These data do not allow any conclusion about variant significance. At least one publication reports experimental evidence evaluating an impact on protein function. The most pronounced variant effect in vitro results in <10% of normal binding activity to a cofactor, SAM, and ~33% enzymatic activity vs. wild type (example, Moarefi). The following publications have been ascertained in the context of this evaluation (PMID: 17893117, 15580563, 21549127, 12239717). ClinVar contains an entry for this variant (Variation ID: 6744). Based on the evidence outlined above, the variant was classified as likely pathogenic.

OMIM
Classification: Pathogenic for IMMUNODEFICIENCY-CENTROMERIC INSTABILITY-FACIAL ANOMALIES SYNDROME 1. Last evaluated: 2002-09-15. Review status: no assertion criteria provided. Collection method: literature only. Allele origin: germline. Not counted in ClinVar's aggregate classification.

Literature cited by the submitters: PubMed 12239717 (cited by 3 submitters); PubMed 16543361 (cited by Labcorp Genetics (formerly Invitae), Labcorp); PubMed 21549127 (cited by Labcorp Genetics (formerly Invitae), Labcorp and Women's Health and Genetics/Laboratory Corporation of America, LabCorp); PubMed 15580563 (cited by Women's Health and Genetics/Laboratory Corporation of America, LabCorp); PubMed 17893117 (cited by Women's Health and Genetics/Laboratory Corporation of America, LabCorp).

NM_006892.4(DNMT3B):c.2519G>A (p.Arg840Gln)

Gene: DNMT3B (DNA methyltransferase 3 beta; plus strand). Cytogenetic location: 20q11.21.
Variant type: single nucleotide variant.
Coding change: c.2519G>A on transcript NM_006892.4 (MANE Select); coding-DNA position 2519, G replaced by A.
Protein change: p.Arg840Gln; replaces arginine 840 with glutamine.
Molecular consequence: missense variant.
Genome position (GRCh38, 1-based): chr20:32,807,860, G>A. VCF-style: chr20-32807860-G-A. GRCh37 (hg19) VCF-style: chr20-31395666-G-A.
Other names: c.2144G>A, p.Arg715Gln (NM_001207055.2); c.2042G>A, p.Arg681Gln (NM_001207056.2); c.2459G>A, p.Arg820Gln (NM_175848.2); c.2270G>A, p.Arg757Gln (NM_175849.2); c.2495G>A, p.Arg832Gln (NM_175850.3); short protein forms R832Q, R840Q, R681Q, R757Q, R715Q, R820Q.
Identifiers: ClinVar variation 6744 (VCV000006744.6), dbSNP rs121908946, ClinGen allele CA118476.
Genomic context (GRCh38, chr20:32,807,860, plus strand): 5'-ACATGGGCCGTGGTGCCCGCCAGAAGCTGCTGGGAAGGTCCTGGAGCGTGCCTGTCATCC[G>A]ACACCTCTTCGCCCCTCTGAAGGACTACTTTGCATGTGAATAGTTCCAGCCAGGCCCCAA-3'
Protein context (NP_008823.1, residues 830-850): LGRSWSVPVI[Arg840Gln]HLFAPLKDYF